The following is an entry in ClinVar:

NM_000053.4(ATP7B):c.2691T>C (p.Ala897=)

Gene: ATP7B (ATPase copper transporting beta; minus strand). Cytogenetic location: 13q14.3.
Variant type: single nucleotide variant.
Coding change: c.2691T>C on transcript NM_000053.4 (MANE Select); coding-DNA position 2691, T replaced by C.
Protein change: p.Ala897=; no amino-acid change (alanine 897 retained).
Molecular consequence: synonymous variant.
Genome position (GRCh38, 1-based): chr13:51,950,046, A>G on the plus strand (T>C on the coding strand, the complement: ATP7B is on the minus strand). VCF-style: chr13-51950046-A-G. GRCh37 (hg19) VCF-style: chr13-52524182-A-G.
Other names: c.2361T>C, p.Ala787= (NM_001406536.1); c.2547T>C, p.Ala849= (NM_001406537.1, NM_001406520.1, NM_001406521.1 and 1 more transcripts); c.2457T>C, p.Ala819= (NM_001406538.1, NM_001330578.2, NM_001406527.1 and 2 more transcripts); c.2262T>C, p.Ala754= (NM_001406539.1); c.2439T>C, p.Ala813= (NM_001406540.1, NM_001330579.2, NM_001406531.1 and 1 more transcripts); c.2205T>C, p.Ala735= (NM_001406541.1, NM_001406542.1, NM_001005918.3 and 1 more transcripts); c.2343T>C, p.Ala781= (NM_001406543.1); c.2109T>C, p.Ala703= (NM_001406544.1); and 8 more.
Identifiers: ClinVar variation 3073402 (VCV003073402.1), dbSNP rs2547670171, ClinGen allele CA484024375.

ClinVar aggregate classification (germline): Likely benign (1 of 4 stars; one submission).

Conditions:
Wilson disease (WND). Also called: Wilson's disease. Identifiers: Orphanet 905, MedGen C0019202, MONDO:0010200, OMIM 277900. Disease mechanism: loss of function.

Allele frequency attached by ClinVar (database versions not stated): gnomAD exomes below 0.00001.
gnomAD v4.1: 1 of 1,614,212 alleles (0.000062%); highest among the groups gnomAD compares: Non-Finnish European, 0.000085%; no homozygotes.

Submission:

All of Us Research Program, National Institutes of Health
Classification: Likely benign for Wilson disease. Last evaluated: 2023-09-17. Review status: criteria provided, single submitter. Criteria: ACMG Guidelines, 2015. Collection method: clinical testing. Allele origin: germline. Inheritance: Autosomal recessive inheritance. Observed: 1 variant allele, 1 heterozygote.
Comment: This study involves interpretation of variants in research participants for the purpose of population health screening. Participant phenotype was not available at the time of variant classification. Additional details can be found in publication PMID: 35346344, PMCID: PMC8962531